The following is an entry in ClinVar:

NM_005560.6(LAMA5):c.5975G>A (p.Arg1992His)

Gene: LAMA5 (laminin subunit alpha 5; minus strand). Cytogenetic location: 20q13.33.
Variant type: single nucleotide variant.
Coding change: c.5975G>A on transcript NM_005560.6 (MANE Select); coding-DNA position 5975, G replaced by A.
Protein change: p.Arg1992His; replaces arginine 1992 with histidine.
Molecular consequence: missense variant.
Genome position (GRCh38, 1-based): chr20:62,323,545, C>T on the plus strand (G>A on the coding strand, the complement: LAMA5 is on the minus strand). VCF-style: chr20-62323545-C-T. GRCh37 (hg19) VCF-style: chr20-60898601-C-T.
Other names: short protein forms R1992H.
Identifiers: ClinVar variation 4751191 (VCV004751191.1).

ClinVar aggregate classification (germline): Uncertain significance (1 of 4 stars; one submission).

gnomAD v4.1: 80 of 1,589,784 alleles (0.005%); highest among the groups gnomAD compares: Admixed American, 0.02%; no homozygotes.

Submission:

Labcorp Genetics (formerly Invitae), Labcorp
Classification: Uncertain significance. Last evaluated: 2026-01-06. Review status: criteria provided, single submitter. Criteria: Invitae Variant Classification Sherloc (09022015). Collection method: clinical testing. Allele origin: germline.
Comment: This sequence change replaces arginine, which is basic and polar, with histidine, which is basic and polar, at codon 1992 of the LAMA5 protein (p.Arg1992His). This variant is present in population databases (rs375957300, gnomAD 0.01%). This variant has not been reported in the literature in individuals affected with LAMA5-related conditions. Invitae Evidence Modeling of protein sequence and biophysical properties (such as structural, functional, and spatial information, amino acid conservation, physicochemical variation, residue mobility, and thermodynamic stability) indicates that this missense variant is not expected to disrupt LAMA5 protein function with a negative predictive value of 80%. In summary, the available evidence is currently insufficient to determine the role of this variant in disease. Therefore, it has been classified as a Variant of Uncertain Significance.